The following is an entry in ClinVar:

NM_020937.4(FANCM):c.4085A>G (p.Asp1362Gly)

Gene: FANCM (FA complementation group M; plus strand). Cytogenetic location: 14q21.2.
Variant type: single nucleotide variant.
Coding change: c.4085A>G on transcript NM_020937.4 (MANE Select); coding-DNA position 4085, A replaced by G.
Protein change: p.Asp1362Gly; replaces aspartic acid 1362 with glycine.
Molecular consequence: missense variant.
Genome position (GRCh38, 1-based): chr14:45,176,839, A>G. VCF-style: chr14-45176839-A-G. GRCh37 (hg19) VCF-style: chr14-45646042-A-G.
Other names: c.4007A>G, p.Asp1336Gly (NM_001308133.2); short protein forms D1336G, D1362G.
Identifiers: ClinVar variation 3690494 (VCV003690494.2).
Genomic context (GRCh38, chr14:45,176,839, plus strand): 5'-CTAAATCAAACACATTGAACTCATTTTCTAAGATAAGAAAGGAAATACTTAAGACACCAG[A>G]TTCTAGTAAGGAAAAAGTAAACCTACAAAGATTCAAAGAAGCATTGAATTCAACTTTTGA-3'
Protein context (NP_065988.1, residues 1352-1372): KIRKEILKTP[Asp1362Gly]SSKEKVNLQR

ClinVar aggregate classification (germline): Uncertain significance (1 of 4 stars; one submission).

Conditions:
Fanconi anemia (FA). Also called: Fanconi's anemia. Identifiers: Orphanet 84, MedGen C0015625, MeSH D005199, MONDO:0019391.

Submission:

Labcorp Genetics (formerly Invitae), Labcorp
Classification: Uncertain significance for Fanconi anemia. Last evaluated: 2024-12-24. Review status: criteria provided, single submitter. Criteria: Invitae Variant Classification Sherloc (09022015). Collection method: clinical testing. Allele origin: germline.
Comment: This sequence change replaces aspartic acid, which is acidic and polar, with glycine, which is neutral and non-polar, at codon 1362 of the FANCM protein (p.Asp1362Gly). This variant is not present in population databases (gnomAD no frequency). This variant has not been reported in the literature in individuals affected with FANCM-related conditions. An algorithm developed to predict the effect of missense changes on protein structure and function outputs the following: PolyPhen-2: "Benign". The glycine amino acid residue is found in multiple mammalian species, which suggests that this missense change does not adversely affect protein function. In summary, the available evidence is currently insufficient to determine the role of this variant in disease. Therefore, it has been classified as a Variant of Uncertain Significance.